The following is an entry in ClinVar:

ClinVar aggregate classification (germline): Uncertain significance (1 of 4 stars; one submission).

Conditions:
Alagille syndrome due to a JAG1 point mutation. Also called: JAG1-Related Alagille Syndrome; Alagille Syndrome 1; HEPATIC DUCTULAR HYPOPLASIA, SYNDROMATIC. Identifiers: Orphanet 261619, Orphanet 52, MedGen C1956125, MONDO:0016862, OMIM 118450.

Submission:

Labcorp Genetics (formerly Invitae), Labcorp
Classification: Uncertain significance for Alagille syndrome due to a JAG1 point mutation. Last evaluated: 2023-06-14. Review status: criteria provided, single submitter. Criteria: Invitae Variant Classification Sherloc (09022015). Collection method: clinical testing. Allele origin: germline.
Comment: In summary, the available evidence is currently insufficient to determine the role of this variant in disease. Therefore, it has been classified as a Variant of Uncertain Significance. Advanced modeling of protein sequence and biophysical properties (such as structural, functional, and spatial information, amino acid conservation, physicochemical variation, residue mobility, and thermodynamic stability) has been performed at Invitae for this missense variant, however the output from this modeling did not meet the statistical confidence thresholds required to predict the impact of this variant on JAG1 protein function. This variant has not been reported in the literature in individuals affected with JAG1-related conditions. This variant is not present in population databases (gnomAD no frequency). This sequence change replaces aspartic acid, which is acidic and polar, with glycine, which is neutral and non-polar, at codon 684 of the JAG1 protein (p.Asp684Gly).

NM_000214.3(JAG1):c.2051A>G (p.Asp684Gly)

Gene: JAG1 (jagged canonical Notch ligand 1; minus strand). Cytogenetic location: 20p12.2.
Variant type: single nucleotide variant.
Coding change: c.2051A>G on transcript NM_000214.3 (MANE Select); coding-DNA position 2051, A replaced by G.
Protein change: p.Asp684Gly; replaces aspartic acid 684 with glycine.
Molecular consequence: missense variant.
Genome position (GRCh38, 1-based): chr20:10,645,418, T>C on the plus strand (A>G on the coding strand, the complement: JAG1 is on the minus strand). VCF-style: chr20-10645418-T-C. GRCh37 (hg19) VCF-style: chr20-10626066-T-C.
Other names: short protein forms D684G.
Identifiers: ClinVar variation 2865746 (VCV002865746.3), dbSNP rs2514513655, ClinGen allele CA408235513.